The following is an entry in ClinVar:

ClinVar aggregate classification (germline): Pathogenic. Review status: criteria provided, multiple submitters, no conflicts (2 of 4 stars). 2 submissions from 2 submitters: Pathogenic (2). Last evaluated 2023-04-24.

Conditions:
Retinitis pigmentosa 20 (RP20). Identifiers: Orphanet 791, MedGen C3151086, MONDO:0013425, OMIM 613794.
Leber congenital amaurosis 2 (LCA2). Also called: Autosomal Recessive RPE65-Related Retinal Degeneration; AMAUROSIS CONGENITA OF LEBER II. Identifiers: Orphanet 65, MedGen C1859844, MONDO:0008765, OMIM 204100. Disease mechanism: loss of function.

Submissions (2):

Baylor Genetics
Classification: Pathogenic for Leber congenital amaurosis 2. Last evaluated: 2023-04-24. Review status: criteria provided, single submitter. Criteria: ACMG Guidelines, 2015. Collection method: clinical testing. Allele origin: unknown.

Labcorp Genetics (formerly Invitae), Labcorp
Classification: Pathogenic for Leber congenital amaurosis 2; Retinitis pigmentosa 20. Last evaluated: 2021-04-05. Review status: criteria provided, single submitter. Criteria: Invitae Variant Classification Sherloc (09022015). Collection method: clinical testing. Allele origin: germline.
Comment: For these reasons, this variant has been classified as Pathogenic. This variant has been observed in individual(s) with Leber congenital amaurosis (PMID: 29068479). This variant is not present in population databases (ExAC no frequency). This sequence change creates a premature translational stop signal (p.Phe16Lysfs*14) in the RPE65 gene. It is expected to result in an absent or disrupted protein product. Loss-of-function variants in RPE65 are known to be pathogenic (PMID: 9326941, 9501220, 9843205, 18632300).

Literature cited by the submitters: PubMed 29068479 (cited by Labcorp Genetics (formerly Invitae), Labcorp); PubMed 9326941 (cited by Labcorp Genetics (formerly Invitae), Labcorp); PubMed 9501220 (cited by Labcorp Genetics (formerly Invitae), Labcorp); PubMed 9843205 (cited by Labcorp Genetics (formerly Invitae), Labcorp); PubMed 18632300 (cited by Labcorp Genetics (formerly Invitae), Labcorp).

NM_000329.3(RPE65):c.46_49del (p.Phe16fs)

Gene: RPE65 (retinoid isomerohydrolase RPE65; minus strand). Cytogenetic location: 1p31.3.
Variant type: Deletion.
Coding change: c.46_49del on transcript NM_000329.3 (MANE Select); coding-DNA positions 46 to 49, 4 bases deleted (TTTG; older notation c.46_49delTTTG).
Protein change: p.Phe16fs; shifts the reading frame from phenylalanine 16.
Molecular consequence: frameshift variant.
Genome position (GRCh38, 1-based): chr1:68,448,669-68,448,672, CAAA deleted on the plus strand (TTTG on the coding strand, the reverse complement: RPE65 is on the minus strand); deleting any 4 consecutive bases within chr1:68,448,669-68,448,674 gives the same sequence; the c. name uses the placement nearest the transcript's 3' end. VCF-style (leftmost placement, unchanged base first): chr1-68448668-TCAAA-T. GRCh37 (hg19) VCF-style: chr1-68914351-TCAAA-T.
Other names: short protein forms F16fs.
Identifiers: ClinVar variation 1355343 (VCV001355343.9), dbSNP rs866809120, ClinGen allele CA23578500.